The following is an entry in ClinVar:

NM_001374828.1(ARID1B):c.1625_1632dup (p.Ala545fs)

Gene: ARID1B (AT-rich interaction domain 1B; plus strand). Cytogenetic location: 6q25.3.
Variant type: Duplication.
Coding change: c.1625_1632dup on transcript NM_001374828.1 (MANE Select); coding-DNA positions 1625 to 1632, 8 bases duplicated (CGGCGGGG; older notation c.1625_1632dupCGGCGGGG).
Protein change: p.Ala545fs; shifts the reading frame from alanine 545.
Molecular consequence: frameshift variant.
Genome position (GRCh38, 1-based): chr6:156,779,305-156,779,312, CGGCGGGG duplicated; duplicating any 8 consecutive bases within chr6:156,779,303-156,779,312 gives the same sequence; the c. name uses the placement nearest the transcript's 3' end. VCF-style (leftmost placement, unchanged base first): chr6-156779302-C-CGGCGGCGG. GRCh37 (hg19) VCF-style: chr6-157100436-C-CGGCGGCGG.
Other names: c.1376_1383dupCGGCGGGG (NM_020732.3); c.1625_1632dup, p.Ala545fs (NM_001371656.1, NM_001374820.1, NM_017519.3); short protein forms A545fs.
Identifiers: ClinVar variation 2226984 (VCV002226984.2), dbSNP rs2546843960, ClinGen allele CA2580075275.
Genomic context (GRCh38, chr6:156,779,302, plus strand): 5'-CCGAGTACAGCAGCCCCAGCGCGCCGCCGCCGCCGCCGTCGCAGCCCCAGTCCCAGGCGG[C>CGGCGGCGG]GGCGGCGGGGGCGGCGGCGGGCGGCCAGCAGGCGGCCGCGGGCATGGGCTTGGGCAAGGA-3'

ClinVar aggregate classification (germline): Pathogenic (1 of 4 stars; one submission).

Conditions:
Inborn genetic diseases. Identifiers: MedGen C0950123, MeSH D030342.

Submission:

Ambry Genetics
Classification: Pathogenic for Inborn genetic diseases. Last evaluated: 2022-10-04. Review status: criteria provided, single submitter. Criteria: Ambry Variant Classification Scheme 2023. Collection method: clinical testing. Allele origin: germline.
Comment: The c.1376_1383dupCGGCGGGG (p.A462Rfs*43) alteration, located in exon 1 (coding exon 1) of the ARID1B gene, consists of a duplication of CGGCGGGG at position 1376, causing a translational frameshift with a predicted alternate stop codon after 43 amino acids. This alteration is expected to result in loss of function by premature protein truncation or nonsense-mediated mRNA decay. The ARID1B c.1376_1383dupCGGCGGGG is absent in Genome Aggregation Database (gnomAD), but the region was flagged as a low confidence region. Based on the available evidence, this alteration is classified as pathogenic.